The following is an entry in ClinVar:

NM_003680.4(YARS1):c.232G>A (p.Ala78Thr)

Gene: YARS1 (tyrosyl-tRNA synthetase 1; minus strand). Cytogenetic location: 1p35.1.
Variant type: single nucleotide variant.
Coding change: c.232G>A on transcript NM_003680.4 (MANE Select); coding-DNA position 232, G replaced by A.
Protein change: p.Ala78Thr; replaces alanine 78 with threonine.
Molecular consequence: missense variant.
Genome position (GRCh38, 1-based): chr1:32,810,739, C>T on the plus strand (G>A on the coding strand, the complement: YARS1 is on the minus strand). VCF-style: chr1-32810739-C-T. GRCh37 (hg19) VCF-style: chr1-33276340-C-T.
Other names: short protein forms A78T.
Identifiers: ClinVar variation 965802 (VCV000965802.8), dbSNP rs778307213, ClinGen allele CA745240.

ClinVar aggregate classification (germline): Uncertain significance (1 of 4 stars; one submission).

Conditions:
Charcot-Marie-Tooth disease dominant intermediate C (CMTDIC). Also called: CHARCOT-MARIE-TOOTH NEUROPATHY, DOMINANT INTERMEDIATE C. Identifiers: Orphanet 100045, MedGen C1842237, MONDO:0012012, OMIM 608323.

Allele frequency attached by ClinVar (database versions not stated): ExAC 0.00001.
gnomAD v4.1: 9 of 1,614,092 alleles (0.00056%); highest among the groups gnomAD compares: Non-Finnish European, 0.00076%; no homozygotes.

Submission:

Labcorp Genetics (formerly Invitae), Labcorp
Classification: Uncertain significance for Charcot-Marie-Tooth disease dominant intermediate C. Last evaluated: 2024-08-27. Review status: criteria provided, single submitter. Criteria: Invitae Variant Classification Sherloc (09022015). Collection method: clinical testing. Allele origin: germline.
Comment: This sequence change replaces alanine, which is neutral and non-polar, with threonine, which is neutral and polar, at codon 78 of the YARS protein (p.Ala78Thr). This variant is present in population databases (rs778307213, gnomAD 0.002%). This variant has not been reported in the literature in individuals affected with YARS-related conditions. ClinVar contains an entry for this variant (Variation ID: 965802). Invitae Evidence Modeling of protein sequence and biophysical properties (such as structural, functional, and spatial information, amino acid conservation, physicochemical variation, residue mobility, and thermodynamic stability) indicates that this missense variant is not expected to disrupt YARS protein function with a negative predictive value of 80%. In summary, the available evidence is currently insufficient to determine the role of this variant in disease. Therefore, it has been classified as a Variant of Uncertain Significance.